The following is an entry in ClinVar:

NM_001278512.2(AP3B2):c.485G>A (p.Arg162Gln)

Genes: AP3B2 (adaptor related protein complex 3 subunit beta 2; minus strand), CPEB1-AS1 (CPEB1 antisense RNA 1; plus strand). Cytogenetic location: 15q25.2.
Variant type: single nucleotide variant.
Coding change: c.485G>A on transcript NM_001278512.2 (MANE Select); coding-DNA position 485, G replaced by A.
Protein change: p.Arg162Gln; replaces arginine 162 with glutamine.
Molecular consequence: missense variant.
Genome position (GRCh38, 1-based): chr15:82,681,456, C>T on the plus strand (G>A on the coding strand, the complement: AP3B2 is on the minus strand). VCF-style: chr15-82681456-C-T. GRCh37 (hg19) VCF-style: chr15-83350208-C-T.
Other names: c.389G>A, p.Arg130Gln (NM_001278511.2); c.485G>A, p.Arg162Gln (NM_004644.5); short protein forms R130Q, R162Q.
Identifiers: ClinVar variation 1493510 (VCV001493510.6), dbSNP rs2151441622, ClinGen allele CA393297082.

ClinVar aggregate classification (germline): Uncertain significance (1 of 4 stars; one submission).

Submission:

Labcorp Genetics (formerly Invitae), Labcorp
Classification: Uncertain significance. Last evaluated: 2022-08-21. Review status: criteria provided, single submitter. Criteria: Invitae Variant Classification Sherloc (09022015). Collection method: clinical testing. Allele origin: germline.
Comment: This sequence change replaces arginine, which is basic and polar, with glutamine, which is neutral and polar, at codon 162 of the AP3B2 protein (p.Arg162Gln). In summary, the available evidence is currently insufficient to determine the role of this variant in disease. Therefore, it has been classified as a Variant of Uncertain Significance. Algorithms developed to predict the effect of sequence changes on RNA splicing suggest that this variant may create or strengthen a splice site. Algorithms developed to predict the effect of missense changes on protein structure and function are either unavailable or do not agree on the potential impact of this missense change (SIFT: "Deleterious"; PolyPhen-2: "Probably Damaging"; Align-GVGD: "Class C0"). ClinVar contains an entry for this variant (Variation ID: 1493510). This variant has not been reported in the literature in individuals affected with AP3B2-related conditions. This variant is not present in population databases (gnomAD no frequency).